The following is an entry in ClinVar:

ClinVar aggregate classification (germline): Uncertain significance. Review status: criteria provided, multiple submitters, no conflicts (2 of 4 stars). 2 submissions from 2 submitters: Uncertain significance (2). Last evaluated 2024-11-13.

Conditions:
Dystonia 5 (DRD). Also called: DYT-GCH1; DYSTONIA, PROGRESSIVE, WITH DIURNAL VARIATION; DYSTONIA-PARKINSONISM WITH DIURNAL FLUCTUATION; GTP Cyclohydrolase 1-Deficient Dopa-Responsive Dystonia; Dystonia, DOPA-responsive, with or without hyperphenylalaninemia. Identifiers: Orphanet 98808, MedGen C1851920, MONDO:0007495, OMIM 128230.
GTP cyclohydrolase I deficiency. Identifiers: MedGen C0268467, MONDO:0100184.

Allele frequency attached by ClinVar (database versions not stated): gnomAD exomes below 0.00001; gnomAD 0.00001.

Submissions (2):

Mayo Clinic Laboratories, Mayo Clinic
Classification: Uncertain significance. Last evaluated: 2024-11-13. Review status: criteria provided, single submitter. Criteria: ACMG Guidelines, 2015. Collection method: clinical testing. Allele origin: germline. Observed: 1 variant allele.

Labcorp Genetics (formerly Invitae), Labcorp
Classification: Uncertain significance for GTP cyclohydrolase I deficiency; Dystonia 5. Last evaluated: 2022-02-05. Review status: criteria provided, single submitter. Criteria: Invitae Variant Classification Sherloc (09022015). Collection method: clinical testing. Allele origin: germline.
Comment: This sequence change replaces leucine, which is neutral and non-polar, with phenylalanine, which is neutral and non-polar, at codon 68 of the GCH1 protein (p.Leu68Phe). This variant is not present in population databases (gnomAD no frequency). This variant has not been reported in the literature in individuals affected with GCH1-related conditions. Advanced modeling of protein sequence and biophysical properties (such as structural, functional, and spatial information, amino acid conservation, physicochemical variation, residue mobility, and thermodynamic stability) performed at Invitae indicates that this missense variant is not expected to disrupt GCH1 protein function. In summary, the available evidence is currently insufficient to determine the role of this variant in disease. Therefore, it has been classified as a Variant of Uncertain Significance.

Literature cited by the submitters: PubMed 38214203 (cited by Mayo Clinic Laboratories, Mayo Clinic).

NM_000161.3(GCH1):c.202C>T (p.Leu68Phe)

Gene: GCH1 (GTP cyclohydrolase 1; minus strand). Cytogenetic location: 14q22.2.
Variant type: single nucleotide variant.
Coding change: c.202C>T on transcript NM_000161.3 (MANE Select); coding-DNA position 202, C replaced by T.
Protein change: p.Leu68Phe; replaces leucine 68 with phenylalanine.
Molecular consequence: missense variant.
Genome position (GRCh38, 1-based): chr14:54,902,462, G>A on the plus strand (C>T on the coding strand, the complement: GCH1 is on the minus strand). VCF-style: chr14-54902462-G-A. GRCh37 (hg19) VCF-style: chr14-55369180-G-A.
Other names: p.Leu68Phe; c.202C>T, p.Leu68Phe (NM_001024024.2, NM_001024070.2, NM_001024071.2); short protein forms L68F.
Identifiers: ClinVar variation 1988062 (VCV001988062.5), dbSNP rs2040582582, ClinGen allele CA389793956.